The following is an entry in ClinVar:

NM_031924.8(RSPH3):c.-224C>A

Gene: RSPH3 (radial spoke head 3; minus strand). Cytogenetic location: 6q25.3.
Variant type: single nucleotide variant.
Coding change: c.-224C>A on transcript NM_031924.8 (MANE Select); 224 bases upstream of the start codon, C replaced by A.
Molecular consequence: 5 prime UTR variant. On other transcripts: missense variant (1), non-coding transcript variant (1).
Genome position (GRCh38, 1-based): chr6:158,999,774, G>T on the plus strand (C>A on the coding strand, the complement: RSPH3 is on the minus strand). VCF-style: chr6-158999774-G-T. GRCh37 (hg19) VCF-style: chr6-159420806-G-T.
Other names: c.203C>A, p.Ala68Asp (NM_001346418.1); short protein forms A68D.
Identifiers: ClinVar variation 660350 (VCV000660350.7), dbSNP rs371925841, ClinGen allele CA4076082.
Genomic context (GRCh38, chr6:158,999,774, plus strand): 5'-GCGCAGGAGGTGGGAGCTATACTGGGCTCGCTCCCAGCACCACAGAGACCAGCTGCGGGG[G>T]CCGCATCGGTTGCCCAGCAACCCAGGGTTCTGTCTGGGGGCGGGAACTCCGGGCAGTTCC-3'

ClinVar aggregate classification (germline): Uncertain significance (1 of 4 stars; one submission).

Conditions:
Primary ciliary dyskinesia 32. Also called: CILIARY DYSKINESIA, PRIMARY, 32, WITHOUT SITUS INVERSUS. Identifiers: Orphanet 244, MedGen C4225311, MONDO:0014657, OMIM 616481.

Allele frequency attached by ClinVar (database versions not stated): 1000 Genomes Project 0.00020; 1000 Genomes Project 30x 0.00031.
gnomAD v4.1: 129 of 1,611,522 alleles (0.008%); highest among the groups gnomAD compares: South Asian, 0.14%; 1 homozygote.

Submission:

Labcorp Genetics (formerly Invitae), Labcorp
Classification: Uncertain significance for Primary ciliary dyskinesia 32. Last evaluated: 2022-05-27. Review status: criteria provided, single submitter. Criteria: Invitae Variant Classification Sherloc (09022015). Collection method: clinical testing. Allele origin: germline.
Comment: In summary, the available evidence is currently insufficient to determine the role of this variant in disease. Therefore, it has been classified as a Variant of Uncertain Significance. Algorithms developed to predict the effect of missense changes on protein structure and function (SIFT, PolyPhen-2, Align-GVGD) all suggest that this variant is likely to be tolerated. ClinVar contains an entry for this variant (Variation ID: 660350). This variant has not been reported in the literature in individuals affected with RSPH3-related conditions. This variant is present in population databases (rs371925841, gnomAD 0.2%). This sequence change replaces alanine, which is neutral and non-polar, with aspartic acid, which is acidic and polar, at codon 68 of the RSPH3 protein (p.Ala68Asp).